The following is an entry in ClinVar:

ClinVar aggregate classification (germline): Uncertain significance. Review status: criteria provided, multiple submitters, no conflicts (2 of 4 stars). 2 submissions from 2 submitters: Uncertain significance (2). Last evaluated 2025-06-17.

Conditions:
Pitt-Hopkins-like syndrome 2 (PTHSL2). Identifiers: Orphanet 221150, Orphanet 600663, MedGen C3280479, MONDO:0013690, OMIM 614325.
Inborn genetic diseases. Identifiers: MedGen C0950123, MeSH D030342.

Allele frequency attached by ClinVar (database versions not stated): TOPMed 0.00001.

Submissions (2):

Labcorp Genetics (formerly Invitae), Labcorp
Classification: Uncertain significance for Pitt-Hopkins-like syndrome 2. Last evaluated: 2025-06-17. Review status: criteria provided, single submitter. Criteria: Invitae Variant Classification Sherloc (09022015). Collection method: clinical testing. Allele origin: germline.
Comment: This sequence change replaces proline, which is neutral and non-polar, with leucine, which is neutral and non-polar, at codon 1440 of the NRXN1 protein (p.Pro1440Leu). This variant is not present in population databases (gnomAD no frequency). This variant has not been reported in the literature in individuals affected with NRXN1-related conditions. ClinVar contains an entry for this variant (Variation ID: 2066649). Invitae Evidence Modeling of protein sequence and biophysical properties (such as structural, functional, and spatial information, amino acid conservation, physicochemical variation, residue mobility, and thermodynamic stability) indicates that this missense variant is not expected to disrupt NRXN1 protein function with a negative predictive value of 80%. In summary, the available evidence is currently insufficient to determine the role of this variant in disease. Therefore, it has been classified as a Variant of Uncertain Significance.

Ambry Genetics
Classification: Uncertain significance for Inborn genetic diseases. Last evaluated: 2024-01-16. Review status: criteria provided, single submitter. Criteria: Ambry Variant Classification Scheme 2023. Collection method: clinical testing. Allele origin: germline.

NM_001330078.2(NRXN1):c.4199C>T (p.Pro1400Leu)

Gene: NRXN1 (neurexin 1; minus strand). Cytogenetic location: 2p16.3.
Variant type: single nucleotide variant.
Coding change: c.4199C>T on transcript NM_001330078.2 (MANE Select); coding-DNA position 4199, C replaced by T.
Protein change: p.Pro1400Leu; replaces proline 1400 with leucine.
Molecular consequence: missense variant.
Genome position (GRCh38, 1-based): chr2:49,943,721, G>A on the plus strand (C>T on the coding strand, the complement: NRXN1 is on the minus strand). VCF-style: chr2-49943721-G-A. GRCh37 (hg19) VCF-style: chr2-50170859-G-A.
Other names: c.4319C>T, p.Pro1440Leu (NM_001135659.3); c.104C>T, p.Pro35Leu (NM_001320156.4, NM_001320157.4); c.4175C>T, p.Pro1392Leu (NM_001330077.2, NM_001330082.2); c.4043C>T, p.Pro1348Leu (NM_001330083.2); c.4133C>T, p.Pro1378Leu (NM_001330084.2); c.4172C>T, p.Pro1391Leu (NM_001330085.2); c.4199C>T, p.Pro1400Leu (NM_001330086.2); c.3998C>T, p.Pro1333Leu (NM_001330087.2, NM_001330096.2); and 8 more; short protein forms P1333L, P1353L, P1370L, P1378L, P1396L, P1400L, P35L, P1343L.
Identifiers: ClinVar variation 2066649 (VCV002066649.5), dbSNP rs1672410874, ClinGen allele CA346817967.